The following is an entry in ClinVar:

NM_000081.4(LYST):c.7460+2T>A

Gene: LYST (lysosomal trafficking regulator; minus strand). Cytogenetic location: 1q42.3.
Variant type: single nucleotide variant.
Coding change: c.7460+2T>A on transcript NM_000081.4 (MANE Select); the canonical splice donor site of the intron after coding-DNA position 7460, T replaced by A.
Molecular consequence: splice donor variant.
Genome position (GRCh38, 1-based): chr1:235,753,042, A>T on the plus strand (T>A on the coding strand, the complement: LYST is on the minus strand). VCF-style: chr1-235753042-A-T. GRCh37 (hg19) VCF-style: chr1-235916342-A-T.
Other names: c.7460+2T>A (NM_001301365.1).
Identifiers: ClinVar variation 2014880 (VCV002014880.4), dbSNP rs2103314747, ClinGen allele CA344931152.

ClinVar aggregate classification (germline): Likely pathogenic (1 of 4 stars; one submission).

Conditions:
Chédiak-Higashi syndrome (CHS). Also called: Chediak-Higashi Syndrome. Identifiers: Orphanet 167, MedGen C0007965, MONDO:0008963, OMIM 214500.

Submission:

Labcorp Genetics (formerly Invitae), Labcorp
Classification: Likely pathogenic for Chédiak-Higashi syndrome. Last evaluated: 2022-07-07. Review status: criteria provided, single submitter. Criteria: Invitae Variant Classification Sherloc (09022015). Collection method: clinical testing. Allele origin: germline.
Comment: In summary, the currently available evidence indicates that the variant is pathogenic, but additional data are needed to prove that conclusively. Therefore, this variant has been classified as Likely Pathogenic. Algorithms developed to predict the effect of sequence changes on RNA splicing suggest that this variant may disrupt the consensus splice site. This variant has not been reported in the literature in individuals affected with LYST-related conditions. This variant is not present in population databases (gnomAD no frequency). This sequence change affects a donor splice site in intron 26 of the LYST gene. It is expected to disrupt RNA splicing. Variants that disrupt the donor or acceptor splice site typically lead to a loss of protein function (PMID: 16199547), and loss-of-function variants in LYST are known to be pathogenic (PMID: 9215679, 11857544).

Literature cited by the submitters: PubMed 16199547; PubMed 9215679; PubMed 11857544.